The following is an entry in ClinVar:

NM_133433.4(NIPBL):c.2450A>T (p.Asp817Val)

Gene: NIPBL (NIPBL cohesin loading factor; plus strand). Cytogenetic location: 5p13.2.
Variant type: single nucleotide variant.
Coding change: c.2450A>T on transcript NM_133433.4 (MANE Select); coding-DNA position 2450, A replaced by T.
Protein change: p.Asp817Val; replaces aspartic acid 817 with valine.
Molecular consequence: missense variant.
Genome position (GRCh38, 1-based): chr5:36,985,630, A>T. VCF-style: chr5-36985630-A-T. GRCh37 (hg19) VCF-style: chr5-36985732-A-T.
Other names: c.2450A>T, p.Asp817Val (NM_001438586.1, NM_015384.5); short protein forms D817V.
Identifiers: ClinVar variation 4531989 (VCV004531989.1).
Genomic context (GRCh38, chr5:36,985,630, plus strand): 5'-GAGCTGAAGCCTTAAAGCAGAGACCTGATGGGCGATCTGTTTCTGAGTCACTAAGACGTG[A>T]CCATGATAATAAACAAAAATCAGATGACAGGGGTGAATCAGAGCGACATCGAGGGGATCA-3'
Protein context (NP_597677.2, residues 807-827): GRSVSESLRR[Asp817Val]HDNKQKSDDR

ClinVar aggregate classification (germline): Uncertain significance (1 of 4 stars; one submission).

Conditions:
Cornelia de Lange syndrome 1 (CDLS1). Also called: Brachmann de Lange syndrome; NIPBL-Related Cornelia de Lange Syndrome; TYPUS DEGENERATIVUS AMSTELODAMENSIS. Identifiers: Orphanet 199, MedGen C4551851, MONDO:0007387, OMIM 122470.

Submission:

Victorian Clinical Genetics Services, Murdoch Childrens Research Institute
Classification: Uncertain significance for Cornelia de Lange syndrome 1. Last evaluated: 2025-08-25. Review status: criteria provided, single submitter. Criteria: ACMG Guidelines, 2015. Collection method: clinical testing. Allele origin: germline. Affected: yes.
Comment: This variant is classified as VUS-3B. Evidence in support of pathogenic classification: Variant is absent from gnomAD (v2, v3 and v4); Missense variant predicted to be damaging by in silico tool(s) or highly conserved with a major amino acid change. Additional information: Variant is predicted to result in a missense amino acid change from Asp to Val; This variant is heterozygous; This gene is associated with autosomal dominant disease; Alternative amino acid change(s) at the same position are present in gnomAD (Highest allele count: v4: 1 heterozygote(s), 0 homozygote(s)). - This variant has no previous evidence of pathogenicity; No published evidence of segregation with disease has been identified for this variant; No published functional evidence has been identified for this variant; No comparable missense variants have previous evidence for pathogenicity; Variant is not located in an established domain, motif, hotspot or informative constraint region; Loss of function is a known mechanism of disease in this gene and is associated with Cornelia de Lange syndrome 1 (MIM#122470); Inheritance information for this variant is not currently available in this individual.